The following is an entry in ClinVar:

NM_002900.3(RBP3):c.705del (p.Arg236fs)

Gene: RBP3 (retinol binding protein 3; plus strand). Cytogenetic location: 10q11.22.
Variant type: Deletion.
Coding change: c.705del on transcript NM_002900.3 (MANE Select); coding-DNA position 705, one base deleted (C; older notation c.705delC).
Protein change: p.Arg236fs; shifts the reading frame from arginine 236.
Molecular consequence: frameshift variant.
Genome position (GRCh38, 1-based): chr10:47,349,189, C deleted; the last of 2 consecutive C bases (chr10:47,349,188-47,349,189); deleting either gives the same sequence. VCF-style (leftmost placement, unchanged base first): chr10-47349187-AC-A. GRCh37 (hg19) VCF-style: chr10-48390172-TG-T.
Other names: short protein forms R236fs.
Identifiers: ClinVar variation 2830862 (VCV002830862.3), dbSNP rs2549027953, ClinGen allele CA2609024684.

ClinVar aggregate classification (germline): Pathogenic (1 of 4 stars; one submission).

Submission:

Labcorp Genetics (formerly Invitae), Labcorp
Classification: Pathogenic. Last evaluated: 2023-01-21. Review status: criteria provided, single submitter. Criteria: Invitae Variant Classification Sherloc (09022015). Collection method: clinical testing. Allele origin: germline.
Comment: This sequence change creates a premature translational stop signal (p.Arg236Glyfs*34) in the RBP3 gene. It is expected to result in an absent or disrupted protein product. Loss-of-function variants in RBP3 are known to be pathogenic (PMID: 9614228, 23105016, 25766589). For these reasons, this variant has been classified as Pathogenic. This variant has not been reported in the literature in individuals affected with RBP3-related conditions. This variant is not present in population databases (gnomAD no frequency).

Literature cited by the submitters: PubMed 9614228; PubMed 23105016; PubMed 25766589.